The following is an entry in ClinVar:

ClinVar aggregate classification (germline): Uncertain significance (1 of 4 stars; one submission).

Submission:

GeneDx
Classification: Uncertain significance. Last evaluated: 2019-06-24. Review status: criteria provided, single submitter. Criteria: GeneDx Variant Classification Process June 2021. Collection method: clinical testing. Allele origin: germline. Affected: yes.
Comment: Not observed in large population cohorts (Lek et al., 2016); In silico analysis, which includes protein predictors and evolutionary conservation, supports that this variant does not alter protein structure/function; Has not been previously published as pathogenic or benign to our knowledge

NM_177559.3(CSNK2A1):c.993G>C (p.Gln331His)

Gene: CSNK2A1 (casein kinase 2 alpha 1; minus strand). Cytogenetic location: 20p13.
Variant type: single nucleotide variant.
Coding change: c.993G>C on transcript NM_177559.3 (MANE Select); coding-DNA position 993, G replaced by C.
Protein change: p.Gln331His; replaces glutamine 331 with histidine.
Molecular consequence: missense variant.
Genome position (GRCh38, 1-based): chr20:486,443, C>G on the plus strand (G>C on the coding strand, the complement: CSNK2A1 is on the minus strand). VCF-style: chr20-486443-C-G. GRCh37 (hg19) VCF-style: chr20-467087-C-G.
Other names: c.993G>C, p.Gln331His (NM_001362770.2, NM_001362771.2, NM_001895.4); c.585G>C, p.Gln195His (NM_177560.3); short protein forms Q195H, Q331H.
Identifiers: ClinVar variation 1302283 (VCV001302283.2), dbSNP rs2122503473, ClinGen allele CA407922331.
Genomic context (GRCh38, chr20:486,443, plus strand): 5'-CATATTGGCGCTGCTGACGGGCGTACTGCCCCCTGGCATGCTAGATGAACCCATTCGAGC[C>G]TGGTCCTTCACAACAGTGTCTAGAAAAGAGACAAAAAGGCTAGGTTCTGTTTTGCTTGAA-3'
Protein context (NP_808227.1, residues 321-341): HPYFYTVVKD[Gln331His]ARMGSSSMPG